The following is an entry in ClinVar:

ClinVar aggregate classification (germline): Uncertain significance (1 of 4 stars; one submission).

Conditions:
Hereditary cancer-predisposing syndrome. Also called: Tumor predisposition; Neoplastic Syndromes, Hereditary; Hereditary Cancer Syndrome; Hereditary neoplastic syndrome. Identifiers: Orphanet 140162, MedGen C0027672, MeSH D009386, MONDO:0015356.

Submission:

Ambry Genetics
Classification: Uncertain significance for Hereditary cancer-predisposing syndrome. Last evaluated: 2022-04-10. Review status: criteria provided, single submitter. Criteria: Ambry Variant Classification Scheme 2023. Collection method: clinical testing. Allele origin: germline.
Comment: The p.A1057T variant (also known as c.3169G>A), located in coding exon 26 of the POLE gene, results from a G to A substitution at nucleotide position 3169. The alanine at codon 1057 is replaced by threonine, an amino acid with similar properties. This amino acid position is conserved. In addition, the in silico prediction for this alteration is inconclusive. Since supporting evidence is limited at this time, the clinical significance of this alteration remains unclear.

NM_006231.4(POLE):c.3169G>A (p.Ala1057Thr)

Gene: POLE (DNA polymerase epsilon, catalytic subunit; minus strand). Cytogenetic location: 12q24.33.
Variant type: single nucleotide variant.
Coding change: c.3169G>A on transcript NM_006231.4 (MANE Select); coding-DNA position 3169, G replaced by A.
Protein change: p.Ala1057Thr; replaces alanine 1057 with threonine.
Molecular consequence: missense variant.
Genome position (GRCh38, 1-based): chr12:132,659,401, C>T on the plus strand (G>A on the coding strand, the complement: POLE is on the minus strand). VCF-style: chr12-132659401-C-T. GRCh37 (hg19) VCF-style: chr12-133235987-C-T.
Other names: short protein forms A1057T.
Identifiers: ClinVar variation 1728396 (VCV001728396.2), dbSNP rs2138676588, ClinGen allele CA387390823.